The following is an entry in ClinVar:

ClinVar aggregate classification (germline): Uncertain significance (1 of 4 stars; one submission).

Submission:

GeneDx
Classification: Uncertain significance. Last evaluated: 2018-08-14. Review status: criteria provided, single submitter. Criteria: GeneDx Variant Classification (06012015). Collection method: clinical testing. Allele origin: germline. Affected: yes.
Comment: The H533L variant in the AUTS2 gene has not been reported previously as a pathogenic variant, nor as a benign variant, to our knowledge. The H533L variant is not observed in large population cohorts (Lek et al., 2016). The H533L variant is a non-conservative amino acid substitution, which is likely to impact secondary protein structure as these residues differ in polarity, charge, size and/or other properties. In silico analyses, including protein predictors and evolutionary conservation, support a deleterious effect. We interpret H533L as a variant of uncertain significance.

NM_015570.4(AUTS2):c.1598A>T (p.His533Leu)

Gene: AUTS2 (activator of transcription and developmental regulator AUTS2; plus strand). Cytogenetic location: 7q11.22.
Variant type: single nucleotide variant.
Coding change: c.1598A>T on transcript NM_015570.4 (MANE Select); coding-DNA position 1598, A replaced by T.
Protein change: p.His533Leu; replaces histidine 533 with leucine.
Molecular consequence: missense variant.
Genome position (GRCh38, 1-based): chr7:70,766,243, A>T. VCF-style: chr7-70766243-A-T. GRCh37 (hg19) VCF-style: chr7-70231229-A-T.
Other names: c.1598A>T, p.His533Leu (NM_001127231.3); short protein forms H533L.
Identifiers: ClinVar variation 421944 (VCV000421944.2), dbSNP rs1064795461, ClinGen allele CA16618553.
Genomic context (GRCh38, chr7:70,766,243, plus strand): 5'-CCCTGGGCCCTCCGCCCTACCTGCGGACCGAGTTCCATCAGCACCAGCACCAGCACCAGC[A>T]CACCCACCAGCACACGCACCAGCACACCTTCACGCCGTTCCCCCACGCCATCCCACCCAC-3'
Protein context (NP_056385.1, residues 523-543): EFHQHQHQHQ[His533Leu]THQHTHQHTF